The following is an entry in ClinVar:

ClinVar aggregate classification (germline): Uncertain significance. Review status: criteria provided, multiple submitters, no conflicts (2 of 4 stars). 3 submissions from 3 submitters: Uncertain significance (3). Last evaluated 2026-01-29.

Conditions:
Epidermolysis bullosa simplex 3, localized or generalized intermediate, with BP230 deficiency (EBS3). Also called: Epidermolysis bullosa simplex due to BP230 deficiency; Epidermolysis bullosa simplex, autosomal recessive 2. Identifiers: Orphanet 412181, MedGen C3809470, MONDO:0014180, OMIM 615425.
Hereditary sensory and autonomic neuropathy type 6. Also called: Neuropathy, hereditary sensory and autonomic, type VI; HSAN VI. Identifiers: Orphanet 314381, MedGen C3539003, MONDO:0013839, OMIM 614653.
Inborn genetic diseases. Identifiers: MedGen C0950123, MeSH D030342.

Allele frequency attached by ClinVar (database versions not stated): gnomAD 0.00002; TOPMed 0.00002; ExAC 0.00003; gnomAD exomes 0.00003 and 0.00010.

Submissions (3):

GeneDx
Classification: Uncertain significance. Last evaluated: 2026-01-29. Review status: criteria provided, single submitter. Criteria: GeneDx Variant Classification Process June 2021. Collection method: clinical testing. Allele origin: germline.
Comment: In silico analysis supports that this missense variant has a deleterious effect on protein structure/function; Has not been previously published as pathogenic or benign to our knowledge; Reported using the transcript encoding the non-epithelial isoform of the gene

Labcorp Genetics (formerly Invitae), Labcorp
Classification: Uncertain significance for Epidermolysis bullosa simplex 3, localized or generalized intermediate, with BP230 deficiency; Hereditary sensory and autonomic neuropathy type 6. Last evaluated: 2024-09-09. Review status: criteria provided, single submitter. Criteria: Invitae Variant Classification Sherloc (09022015). Collection method: clinical testing. Allele origin: germline.
Comment: The DST gene has multiple clinically relevant transcripts. This variant occurs in alternate transcript NM_015548.4, and corresponds to NM_001723.5:c.*78716G>A in the primary transcript. This sequence change replaces arginine, which is basic and polar, with glutamine, which is neutral and polar, at codon 2960 of the DST protein (p.Arg2960Gln). This variant is present in population databases (rs762460799, gnomAD 0.007%). This variant has not been reported in the literature in individuals affected with DST-related conditions. In summary, the available evidence is currently insufficient to determine the role of this variant in disease. Therefore, it has been classified as a Variant of Uncertain Significance.

Ambry Genetics
Classification: Uncertain significance for Inborn genetic diseases. Last evaluated: 2019-11-27. Review status: criteria provided, single submitter. Criteria: Ambry Variant Classification Scheme 2023. Collection method: clinical testing. Allele origin: germline.
Comment: The p.R3464Q variant (also known as c.10391G>A), located in coding exon 56 of the DST gene, results from a G to A substitution at nucleotide position 10391. The arginine at codon 3464 is replaced by glutamine, an amino acid with highly similar properties. This amino acid position is well conserved in available vertebrate species. In addition, this alteration is predicted to be tolerated by in silico analysis. Since supporting evidence is limited at this time, the clinical significance of this alteration remains unclear.

NM_001374736.1(DST):c.16748G>A (p.Arg5583Gln)

Gene: DST (dystonin; minus strand). Cytogenetic location: 6p12.1.
Variant type: single nucleotide variant.
Coding change: c.16748G>A on transcript NM_001374736.1 (MANE Select); coding-DNA position 16748, G replaced by A.
Protein change: p.Arg5583Gln; replaces arginine 5583 with glutamine.
Molecular consequence: missense variant.
Genome position (GRCh38, 1-based): chr6:56,536,801, C>T on the plus strand (G>A on the coding strand, the complement: DST is on the minus strand). VCF-style: chr6-56536801-C-T. GRCh37 (hg19) VCF-style: chr6-56401599-C-T.
Other names: c.10391G>A, p.Arg3464Gln (NM_001144769.5); c.9977G>A, p.Arg3326Gln (NM_001144770.2); c.16748G>A, p.Arg5583Gln (NM_001374722.1); c.16115G>A, p.Arg5372Gln (NM_001374729.1); c.9857G>A, p.Arg3286Gln (NM_001374730.1, NM_183380.4); c.16775G>A, p.Arg5592Gln (NM_001374734.1); c.8879G>A, p.Arg2960Gln (NM_015548.5); short protein forms R5592Q, R3326Q, R3464Q, R5583Q, R2960Q, R3286Q, R5372Q.
Identifiers: ClinVar variation 969410 (VCV000969410.10), dbSNP rs762460799, ClinGen allele CA3867605.